The following is an entry in ClinVar:

ClinVar aggregate classification (germline): Conflicting classifications of pathogenicity. Review status: criteria provided, conflicting classifications (1 of 4 stars). 5 submissions from 5 submitters: Uncertain significance (1); Likely benign (4). Last evaluated 2025-12-21.

Conditions:
Anemia, congenital dyserythropoietic, type 1a (CDAN1A). Also called: DYSERYTHROPOIETIC ANEMIA, CONGENITAL, TYPE Ia; CDAN1-Related Congenital Dyserythropoietic Anemia. Identifiers: MedGen C5574667, MONDO:0009135, OMIM 224120.
Congenital dyserythropoietic anemia, type I. Also called: Dyserythropoietic anemia, congenital type 1. Identifiers: Orphanet 98869, MedGen C0271933, MONDO:0020337. Disease mechanism: loss of function.

Allele frequency attached by ClinVar (database versions not stated): gnomAD 0.00022; ESP Exome Variant Server 0.00023; gnomAD exomes 0.00023 and 0.00045; ExAC 0.00029; TOPMed 0.00032.
gnomAD v4.1: 407 of 1,612,234 alleles (0.025%); highest among the groups gnomAD compares: Non-Finnish European, 0.0067%; 1 homozygote.

Submissions (5):

Labcorp Genetics (formerly Invitae), Labcorp
Classification: Likely benign. Last evaluated: 2025-12-21. Review status: criteria provided, single submitter. Criteria: Invitae Variant Classification Sherloc (09022015). Collection method: clinical testing. Allele origin: germline.

Blueprint Genetics
Classification: Likely benign. Last evaluated: 2024-11-18. Review status: criteria provided, single submitter. Criteria: ACMG Guidelines, 2015. Collection method: clinical testing. Allele origin: germline.

ARUP Laboratories, Molecular Genetics and Genomics, ARUP Laboratories
Classification: Likely benign for Anemia, congenital dyserythropoietic, type 1a. Last evaluated: 2024-11-01. Review status: criteria provided, single submitter. Criteria: ARUP Molecular Germline Variant Investigation Process 2024. Collection method: clinical testing. Allele origin: germline.

CeGaT Center for Human Genetics Tuebingen
Classification: Likely benign. Last evaluated: 2022-03-01. Review status: criteria provided, single submitter. Criteria: CeGaT Center For Human Genetics Tuebingen Variant Classification Criteria Version 2. Collection method: clinical testing. Allele origin: germline. Affected: yes. Observed: 1 variant allele.
Comment: CDAN1: BP4

Illumina Laboratory Services, Illumina
Classification: Uncertain significance for Anemia, congenital dyserythropoietic, type 1a. Last evaluated: 2018-01-13. Review status: criteria provided, single submitter. Criteria: ICSL Variant Classification Criteria 13 December 2019. Collection method: clinical testing. Allele origin: germline.

NM_138477.4(CDAN1):c.2008-8C>T

Gene: CDAN1 (codanin 1; minus strand). Cytogenetic location: 15q15.2.
Variant type: single nucleotide variant.
Coding change: c.2008-8C>T on transcript NM_138477.4 (MANE Select); 8 bases into the intron before coding-DNA position 2008, C replaced by T.
Molecular consequence: intron variant.
Genome position (GRCh38, 1-based): chr15:42,730,772, G>A on the plus strand (C>T on the coding strand, the complement: CDAN1 is on the minus strand). VCF-style: chr15-42730772-G-A. GRCh37 (hg19) VCF-style: chr15-43022970-G-A.
Other names: c.2008-8C>T (LRG_1164t1).
Identifiers: ClinVar variation 315940 (VCV000315940.38), dbSNP rs201733620, ClinGen allele CA7515847.